The following is an entry in ClinVar:

ClinVar aggregate classification (germline): Conflicting classifications of pathogenicity. Review status: criteria provided, conflicting classifications (1 of 4 stars). 8 submissions from 8 submitters: Uncertain significance (5); Likely benign (2). 1 of the submissions does not count toward it. Last evaluated 2025-04-09.

Conditions:
Cardiovascular phenotype. Identifiers: MedGen CN230736.
Autosomal recessive limb-girdle muscular dystrophy type 2J (LGMDR10). Also called: Limb-girdle muscular dystrophy, type 2J; MUSCULAR DYSTROPHY, LIMB-GIRDLE, AUTOSOMAL RECESSIVE 10. Identifiers: Orphanet 140922, MedGen C1837342, MONDO:0012127, OMIM 608807.
Dilated cardiomyopathy 1G (CMD1G). Identifiers: Orphanet 154, MedGen C1858763, MONDO:0011400, OMIM 604145.
Cardiomyopathy (CMYO). Also called: Cardiomyopathies. Identifiers: Orphanet 167848, MedGen C0878544, MONDO:0004994, HP:0001638. Inheritance: Various modes of inheritance.

Allele frequency attached by ClinVar (database versions not stated): TOPMed below 0.00001.

Submissions (8):

Molecular Diagnostic Laboratory for Inherited Cardiovascular Disease, Montreal Heart Institute
Classification: Likely benign. Last evaluated: 2025-04-09. Review status: criteria provided, single submitter. Criteria: ACMG Guidelines, 2015. Collection method: clinical testing. Allele origin: germline. Affected: no.

Blueprint Genetics
Classification: Likely benign. Last evaluated: 2024-03-05. Review status: criteria provided, single submitter. Criteria: ACMG Guidelines, 2015. Collection method: clinical testing. Allele origin: germline.

Mayo Clinic Laboratories, Mayo Clinic
Classification: Uncertain significance. Last evaluated: 2019-12-27. Review status: criteria provided, single submitter. Criteria: ACMG Guidelines, 2015. Collection method: clinical testing. Allele origin: germline. Observed: 1 variant allele.

Ambry Genetics
Classification: Uncertain significance for Cardiovascular phenotype. Last evaluated: 2017-12-28. Review status: criteria provided, single submitter. Criteria: Ambry Variant Classification Scheme 2023. Collection method: clinical testing. Allele origin: germline.
Comment: The p.S2902L variant (also known as c.8705C>T), located in coding exon 35 of the TTN gene, results from a C to T substitution at nucleotide position 8705. The serine at codon 2902 is replaced by leucine, an amino acid with dissimilar properties. This amino acid position is well conserved in available vertebrate species. In addition, the in silico prediction for this alteration is inconclusive. Since supporting evidence is limited at this time, the clinical significance of this alteration remains unclear.

Labcorp Genetics (formerly Invitae), Labcorp
Classification: Uncertain significance for Dilated cardiomyopathy 1G; Autosomal recessive limb-girdle muscular dystrophy type 2J. Last evaluated: 2017-12-11. Review status: criteria provided, single submitter. Criteria: Invitae Variant Classification Sherloc (09022015). Collection method: clinical testing. Allele origin: germline.

CHEO Genetics Diagnostic Laboratory, Children's Hospital of Eastern Ontario
Classification: Uncertain significance for Cardiomyopathy. Last evaluated: 2017-11-02. Review status: criteria provided, single submitter. Criteria: ACMG Guidelines, 2015. Collection method: clinical testing. Allele origin: germline.

Laboratory for Molecular Medicine, Mass General Brigham Personalized Medicine
Classification: Uncertain significance. Last evaluated: 2013-02-11. Review status: criteria provided, single submitter. Criteria: LMM Criteria. Collection method: clinical testing. Allele origin: germline. Observed: 2 variant alleles.
Comment: This variant has also not been identified in large and broad Europea n American and African American populations by the NHLBI Exome Sequencing Projec t, though it may be common in other populatio ns. Serine (Ser) at position 2948 is not conserved in mammals, though additional computational analyses (biochemical amino acid properties, AlignGVGD, PolyPhen2 , and SIFT) do not provide strong support for or against an impact to the protei n. In summary, additional information is needed to fully assess the clinical sig nificance of this variant.

GeneDx
No classification provided. Last evaluated: 2014-09-05. Review status: no classification provided. Criteria: GeneDx Variant Classification (06012015). Collection method: clinical testing. Allele origin: germline. Affected: yes. Not counted in ClinVar's aggregate classification.
Comment: Missense variants in the TTN gene are considered 'unclassified' if they are not previously reported in the literature and do not have >1% frequency in the population to be considered a polymorphism. Research indicates that truncating mutations in the TTN gene are expected to account for approximately 25% of familial and 18% of sporadic idiopathic DCM; however, truncating variants in the TTN gene have been reported in approximately 3% of reported control alleles. There has been little investigation into non-truncating variants. (Herman D et al. Truncations of titin causing dilated cardiomyopathy. N Eng J Med 366:619-628, 2012) The variant is found in DCM,CARDIOMYOPATHY,DCM-CRDM panel(s).

NM_001267550.2(TTN):c.8843C>T (p.Ser2948Leu)

Gene: TTN (titin; minus strand). Cytogenetic location: 2q31.2.
Variant type: single nucleotide variant.
Coding change: c.8843C>T on transcript NM_001267550.2 (MANE Select); coding-DNA position 8843, C replaced by T.
Protein change: p.Ser2948Leu; replaces serine 2948 with leucine.
Molecular consequence: missense variant.
Genome position (GRCh38, 1-based): chr2:178,769,738, G>A on the plus strand (C>T on the coding strand, the complement: TTN is on the minus strand). VCF-style: chr2-178769738-G-A. GRCh37 (hg19) VCF-style: chr2-179634465-G-A.
Other names: p.S2948L:TCG>TTG; c.8843C>T, p.Ser2948Leu (NM_133378.4, NM_133379.5, NM_001256850.1); c.8705C>T, p.Ser2902Leu (NM_003319.4, NM_133432.3, NM_133437.4); short protein forms S2948L, S2902L.
Identifiers: ClinVar variation 47565 (VCV000047565.18), dbSNP rs397517763, ClinGen allele CA141363.